The following is an entry in ClinVar:

ClinVar aggregate classification (germline): Likely pathogenic (1 of 4 stars; one submission).

Conditions:
Dilated cardiomyopathy 1G (CMD1G). Identifiers: Orphanet 154, MedGen C1858763, MONDO:0011400, OMIM 604145.

Submission:

Human Genetics Bochum, Ruhr University Bochum
Classification: Likely pathogenic for Dilated cardiomyopathy 1G. Last evaluated: 2026-01-29. Review status: criteria provided, single submitter. Criteria: ACMG Guidelines, 2015. Collection method: clinical testing. Allele origin: germline. Affected: yes.
Comment: ACMG criteria used to clasify this variant: PVS1, PM2_SUP

NM_001267550.2(TTN):c.45696_45697del (p.Asn15232_Thr15233insTer)

Gene: TTN (titin; minus strand). Cytogenetic location: 2q31.2.
Variant type: Deletion.
Coding change: c.45696_45697del on transcript NM_001267550.2 (MANE Select); coding-DNA positions 45696 to 45697, 2 bases deleted (TA; older notation c.45696_45697delTA).
Protein change: p.Asn15232_Thr15233insTer.
Molecular consequence: frameshift variant.
Genome position (GRCh38, 1-based): chr2:178,620,913-178,620,914, TA deleted on the plus strand (TA on the coding strand, the reverse complement: TTN is on the minus strand); deleting any 2 consecutive bases within chr2:178,620,913-178,620,915 gives the same sequence; the c. name uses the placement nearest the transcript's 3' end. VCF-style (leftmost placement, unchanged base first): chr2-178620912-GTA-G. GRCh37 (hg19) VCF-style: chr2-179485639-GTA-G.
Other names: c.40773_40774del, p.Asn13591_Thr13592insTer (NM_001256850.1); c.18501_18502del, p.Asn6167_Thr6168insTer (NM_003319.4); c.37992_37993del, p.Asn12664_Thr12665insTer (NM_133378.4); c.18876_18877del, p.Asn6292_Thr6293insTer (NM_133432.3); c.19077_19078del, p.Asn6359_Thr6360insTer (NM_133437.4).
Identifiers: ClinVar variation 4876755 (VCV004876755.1).